The following is an entry in ClinVar:

ClinVar aggregate classification (germline): Uncertain significance (1 of 4 stars; one submission).

Submission:

Labcorp Genetics (formerly Invitae), Labcorp
Classification: Uncertain significance. Last evaluated: 2023-07-07. Review status: criteria provided, single submitter. Criteria: Invitae Variant Classification Sherloc (09022015). Collection method: clinical testing. Allele origin: germline.
Comment: Algorithms developed to predict the effect of sequence changes on RNA splicing suggest that this variant may create or strengthen a splice site. This sequence change replaces glutamic acid, which is acidic and polar, with alanine, which is neutral and non-polar, at codon 369 of the COL9A2 protein (p.Glu369Ala). This variant is not present in population databases (gnomAD no frequency). This variant has not been reported in the literature in individuals affected with COL9A2-related conditions. ClinVar contains an entry for this variant (Variation ID: 1470199). An algorithm developed to predict the effect of missense changes on protein structure and function (PolyPhen-2) suggests that this variant is likely to be disruptive. In summary, the available evidence is currently insufficient to determine the role of this variant in disease. Therefore, it has been classified as a Variant of Uncertain Significance.

NM_001852.4(COL9A2):c.1106A>C (p.Glu369Ala)

Gene: COL9A2 (collagen type IX alpha 2 chain; minus strand). Cytogenetic location: 1p34.2.
Variant type: single nucleotide variant.
Coding change: c.1106A>C on transcript NM_001852.4 (MANE Select); coding-DNA position 1106, A replaced by C.
Protein change: p.Glu369Ala; replaces glutamic acid 369 with alanine.
Molecular consequence: missense variant.
Genome position (GRCh38, 1-based): chr1:40,305,716, T>G on the plus strand (A>C on the coding strand, the complement: COL9A2 is on the minus strand). VCF-style: chr1-40305716-T-G. GRCh37 (hg19) VCF-style: chr1-40771388-T-G.
Other names: short protein forms E369A.
Identifiers: ClinVar variation 1470199 (VCV001470199.8), dbSNP rs2124062588, ClinGen allele CA339851018.